The following is an entry in ClinVar:

ClinVar aggregate classification (germline): Uncertain significance. Review status: criteria provided, multiple submitters, no conflicts (2 of 4 stars). 2 submissions from 2 submitters: Uncertain significance (2). Last evaluated 2024-11-27.

Conditions:
Joubert syndrome. Also called: CEREBELLOPARENCHYMAL DISORDER IV; JOUBERT-BOLTSHAUSER SYNDROME; Familial aplasia of the vermis. Identifiers: Orphanet 475, MedGen C5979921, MONDO:0018772.
Joubert syndrome 3 (JBTS3). Also called: AHI1-related Ciliopathy. Identifiers: Orphanet 220493, MedGen C1837713, MONDO:0012078, OMIM 608629.

Allele frequency attached by ClinVar (database versions not stated): gnomAD exomes below 0.00001 and 0.00001.
gnomAD v4.1: 2 of 1,544,814 alleles (0.00013%); highest among the groups gnomAD compares: Admixed American, 0.0039%; no homozygotes.

Submissions (2):

Labcorp Genetics (formerly Invitae), Labcorp
Classification: Uncertain significance for Joubert syndrome. Last evaluated: 2024-11-27. Review status: criteria provided, single submitter. Criteria: Invitae Variant Classification Sherloc (09022015). Collection method: clinical testing. Allele origin: germline.
Comment: This sequence change replaces isoleucine, which is neutral and non-polar, with asparagine, which is neutral and polar, at codon 449 of the AHI1 protein (p.Ile449Asn). This variant is present in population databases (no rsID available, gnomAD 0.004%). This missense change has been observed in individual(s) with clinical features of Joubert syndrome (internal data). In at least one individual the data is consistent with being in trans (on the opposite chromosome) from a pathogenic variant. ClinVar contains an entry for this variant (Variation ID: 1392146). An algorithm developed to predict the effect of missense changes on protein structure and function (PolyPhen-2) suggests that this variant is likely to be disruptive. In summary, the available evidence is currently insufficient to determine the role of this variant in disease. Therefore, it has been classified as a Variant of Uncertain Significance.

Illumina Laboratory Services, Illumina
Classification: Uncertain significance for Joubert syndrome 3. Last evaluated: 2023-10-06. Review status: criteria provided, single submitter. Criteria: ISL SNV Classification Criteria 03 February 2026. Collection method: clinical testing. Allele origin: unknown.
Comment: The AHI1 c.1346T>A p.(Ile449Asn) missense variant that occurs in the splice region has not, to our knowledge, been reported in the peer-reviewed literature. This variant is not observed at a significant frequency in version 2.1.1 or version 3.1.2 of the Genome Aggregation Database and multiple lines of computational evidence suggest the variant may impact the gene or gene product. Based on the available evidence, the c.1346T>A p.(Ile449Asn) variant is classified as a variant of uncertain significance for Joubert syndrome.

NM_001134831.2(AHI1):c.1346T>A (p.Ile449Asn)

Gene: AHI1 (Abelson helper integration site 1; minus strand). Cytogenetic location: 6q23.3.
Variant type: single nucleotide variant.
Coding change: c.1346T>A on transcript NM_001134831.2 (MANE Select); coding-DNA position 1346, T replaced by A.
Protein change: p.Ile449Asn; replaces isoleucine 449 with asparagine.
Molecular consequence: missense variant.
Genome position (GRCh38, 1-based): chr6:135,453,435, A>T on the plus strand (T>A on the coding strand, the complement: AHI1 is on the minus strand). VCF-style: chr6-135453435-A-T. GRCh37 (hg19) VCF-style: chr6-135774573-A-T.
Other names: c.1346T>A, p.Ile449Asn (NM_001134830.2, NM_001134832.2, NM_001350503.2 and 2 more transcripts); short protein forms I449N.
Identifiers: ClinVar variation 1392146 (VCV001392146.7), dbSNP rs1406446272, ClinGen allele CA365746336.